The following is an entry in ClinVar:

NM_058216.3(RAD51C):c.651A>T (p.Thr217=)

Genes: RAD51C (RAD51 paralog C; plus strand), LOC129390903 (MPRA-validated peak2919 silencer; plus strand). Cytogenetic location: 17q22.
Variant type: single nucleotide variant.
Coding change: c.651A>T on transcript NM_058216.3 (MANE Select); coding-DNA position 651, A replaced by T.
Protein change: p.Thr217=; no amino-acid change (threonine 217 retained).
Molecular consequence: synonymous variant. On other transcripts: non-coding transcript variant (1).
Genome position (GRCh38, 1-based): chr17:58,703,275, A>T. VCF-style: chr17-58703275-A-T. GRCh37 (hg19) VCF-style: chr17-56780636-A-T.
Identifiers: ClinVar variation 233325 (VCV000233325.17), dbSNP rs757915374, ClinGen allele CA8677290.
Genomic context (GRCh38, chr17:58,703,275, plus strand): 5'-GGATTTCACTCTTGATAATATTCTTTCTCATATTTATTATTTTCGCTGTCGTGACTACAC[A>T]GAGTTACTGGCACAAGTTTATCTTCTTCCAGATTTCCTTTCAGAACACTCAAAGGTATGA-3'
Protein context (NP_478123.1, residues 207-227): HIYYFRCRDY[Thr217=]ELLAQVYLLP

ClinVar aggregate classification (germline): Benign/Likely benign. Review status: criteria provided, multiple submitters, no conflicts (2 of 4 stars). 3 submissions from 3 submitters: Benign (1); Likely benign (2). Last evaluated 2026-01-12.

Conditions:
Hereditary cancer-predisposing syndrome. Also called: Tumor predisposition; Hereditary Cancer Syndrome; Hereditary neoplastic syndrome; Neoplastic Syndromes, Hereditary. Identifiers: Orphanet 140162, MedGen C0027672, MeSH D009386, MONDO:0015356.
Breast-ovarian cancer, familial, susceptibility to, 3. Also called: RAD51C-Related Breast/Ovarian Cancer. Identifiers: Orphanet 145, MedGen C3150659, MONDO:0013253, OMIM 613399.
Fanconi anemia complementation group O. Also called: RAD51C-Related Fanconi Anemia. Identifiers: Orphanet 84, MedGen C3150653, MONDO:0013248, OMIM 613390.

Allele frequency attached by ClinVar (database versions not stated): gnomAD exomes below 0.00001; TOPMed below 0.00001; ExAC 0.00001.
gnomAD v4.1: 2 of 1,610,400 alleles (0.00012%); highest among the groups gnomAD compares: Non-Finnish European, 0.00017%; no homozygotes.

Submissions (3):

Labcorp Genetics (formerly Invitae), Labcorp
Classification: Likely benign for Fanconi anemia complementation group O. Last evaluated: 2026-01-12. Review status: criteria provided, single submitter. Criteria: Invitae Variant Classification Sherloc (09022015). Collection method: clinical testing. Allele origin: germline.

Myriad Genetics, Inc.
Classification: Benign for Breast-ovarian cancer, familial, susceptibility to, 3. Last evaluated: 2025-02-18. Review status: criteria provided, single submitter. Criteria: Myriad Autosomal Dominant, Autosomal Recessive and X-Linked Classification Criteria (2023). Collection method: clinical testing. Allele origin: unknown.
Comment: This variant is considered benign. This variant is a silent/synonymous amino acid change and it is not expected to impact splicing.

Ambry Genetics
Classification: Likely benign for Hereditary cancer-predisposing syndrome. Last evaluated: 2015-08-06. Review status: criteria provided, single submitter. Criteria: Ambry Variant Classification Scheme 2023. Collection method: clinical testing. Allele origin: germline.